The following is an entry in ClinVar:

ClinVar aggregate classification (germline): Uncertain significance (1 of 4 stars; one submission).

Submission:

GeneDx
Classification: Uncertain significance. Last evaluated: 2025-01-16. Review status: criteria provided, single submitter. Criteria: GeneDx Variant Classification Process June 2021. Collection method: clinical testing. Allele origin: germline. Affected: yes.
Comment: Not observed at significant frequency in large population cohorts (gnomAD); In silico analysis supports that this missense variant has a deleterious effect on protein structure/function; Has not been previously published as pathogenic or benign to our knowledge; Also known as N3818K

NM_000384.3(APOB):c.11535C>G (p.Asn3845Lys)

Gene: APOB (apolipoprotein B; minus strand). Cytogenetic location: 2p24.1.
Variant type: single nucleotide variant.
Coding change: c.11535C>G on transcript NM_000384.3 (MANE Select); coding-DNA position 11535, C replaced by G.
Protein change: p.Asn3845Lys; replaces asparagine 3845 with lysine.
Molecular consequence: missense variant.
Genome position (GRCh38, 1-based): chr2:21,005,333, G>C on the plus strand (C>G on the coding strand, the complement: APOB is on the minus strand). VCF-style: chr2-21005333-G-C. GRCh37 (hg19) VCF-style: chr2-21228205-G-C.
Other names: short protein forms N3845K.
Identifiers: ClinVar variation 4070775 (VCV004070775.1).
Genomic context (GRCh38, chr2:21,005,333, plus strand): 5'-GGGAATCTCAATGGTCTGCTCAGGCACGATGATGGTGGGCAACTCAAAGTCTGCGATCTT[G>C]TTGGCTACTGCATTTAGATCCAAAGCAGCAATGCCATCTGAAACACTTTTTGGAAGCGTG-3'
Protein context (NP_000375.3, residues 3835-3855): IAALDLNAVA[Asn3845Lys]KIADFELPTI